The following is an entry in ClinVar:

ClinVar aggregate classification (germline): Likely benign (1 of 4 stars; one submission).

Allele frequency attached by ClinVar (database versions not stated): ESP Exome Variant Server 0.00054; 1000 Genomes Project 0.00060; 1000 Genomes Project 30x 0.00062; gnomAD exomes 0.00106; gnomAD 0.00149; ExAC 0.00226.

Submission:

CeGaT Center for Human Genetics Tuebingen
Classification: Likely benign. Last evaluated: 2024-02-01. Review status: criteria provided, single submitter. Criteria: CeGaT Center For Human Genetics Tuebingen Variant Classification Criteria Version 2. Collection method: clinical testing. Allele origin: germline. Affected: yes. Observed: 1 variant allele.
Comment: NADSYN1: BP4, BP7

NM_018161.5(NADSYN1):c.393G>A (p.Pro131=)

Gene: NADSYN1 (NAD synthetase 1; plus strand). Cytogenetic location: 11q13.4.
Variant type: single nucleotide variant.
Coding change: c.393G>A on transcript NM_018161.5 (MANE Select); coding-DNA position 393, G replaced by A.
Protein change: p.Pro131=; no amino-acid change (proline 131 retained).
Molecular consequence: synonymous variant.
Genome position (GRCh38, 1-based): chr11:71,464,128, G>A. VCF-style: chr11-71464128-G-A. GRCh37 (hg19) VCF-style: chr11-71175174-G-A.
Identifiers: ClinVar variation 3025011 (VCV003025011.22), dbSNP rs142412970, ClinGen allele CA6162949.